The following is an entry in ClinVar:

ClinVar aggregate classification (germline): Uncertain significance (1 of 4 stars; one submission).

Conditions:
Malignant hyperthermia, susceptibility to, 5 (MHS5). Also called: CACNA1S-Related Malignant Hyperthermia Susceptibility. Identifiers: Orphanet 423, MedGen C1866077, MONDO:0011163, OMIM 601887.

Allele frequency attached by ClinVar (database versions not stated): TOPMed below 0.00001; gnomAD 0.00001.
gnomAD v4.1: 1 of 1,603,464 alleles (0.000062%); highest among the groups gnomAD compares: Non-Finnish European, 0.000085%; no homozygotes.

Submission:

All of Us Research Program, National Institutes of Health
Classification: Uncertain significance for Malignant hyperthermia, susceptibility to, 5. Last evaluated: 2024-01-11. Review status: criteria provided, single submitter. Criteria: ACMG Guidelines, 2015. Collection method: clinical testing. Allele origin: germline. Inheritance: Autosomal dominant inheritance. Observed: 1 variant allele, 1 heterozygote.
Comment: This study involves interpretation of variants in research participants for the purpose of population health screening. Participant phenotype was not available at the time of variant classification. Additional details can be found in publication PMID: 35346344, PMCID: PMC8962531

NM_000069.3(CACNA1S):c.5622A>G (p.Ter1874Trp)

Gene: CACNA1S (calcium voltage-gated channel subunit alpha1 S; minus strand). Cytogenetic location: 1q32.1.
Variant type: single nucleotide variant.
Coding change: c.5622A>G on transcript NM_000069.3 (MANE Select); coding-DNA position 5622, A replaced by G.
Protein change: p.Ter1874Trp.
Molecular consequence: stop lost.
Genome position (GRCh38, 1-based): chr1:201,039,831, T>C on the plus strand (A>G on the coding strand, the complement: CACNA1S is on the minus strand). VCF-style: chr1-201039831-T-C. GRCh37 (hg19) VCF-style: chr1-201008959-T-C.
Identifiers: ClinVar variation 3075312 (VCV003075312.1), dbSNP rs1298607835, ClinGen allele CA344127234.